The following is an entry in ClinVar:

NM_001354689.3(RAF1):c.1200C>T (p.Val400=)

Gene: RAF1 (Raf-1 proto-oncogene, serine/threonine kinase; minus strand). Cytogenetic location: 3p25.2.
Variant type: single nucleotide variant.
Coding change: c.1200C>T on transcript NM_001354689.3; coding-DNA position 1200, C replaced by T.
Protein change: p.Val400=; no amino-acid change (valine 400 retained).
Genome position (GRCh38, 1-based): chr3:12,591,761, G>A on the plus strand (C>T on the coding strand, the complement: RAF1 is on the minus strand). VCF-style: chr3-12591761-G-A. GRCh37 (hg19) VCF-style: chr3-12633260-G-A.
Other names: p.Val380=; c.897C>T, p.Val299= (NM_001354691.3, NM_001354692.3); c.1041C>T, p.Val347= (NM_001354693.3); c.957C>T, p.Val319= (NM_001354694.3); c.798C>T, p.Val266= (NM_001354695.3); c.1140C>T, p.Val380= (NM_002880.4, NM_001354690.3).
Identifiers: ClinVar variation 44618 (VCV000044618.21), dbSNP rs397516814, ClinGen allele CA134690.

ClinVar aggregate classification (germline): Likely benign. Review status: criteria provided, multiple submitters, no conflicts (2 of 4 stars). 7 submissions from 7 submitters: Likely benign (6). 1 of the submissions does not count toward it. Last evaluated 2026-07-24.

Conditions:
RAF1-related disorder. Also called: RAF1-related condition; RAF1-related disorders.
Cardiovascular phenotype. Identifiers: MedGen CN230736.
RASopathy. Also called: rasopathies; Noonan spectrum disorder. Identifiers: Orphanet 536391, MedGen C5555857, MONDO:0021060.

Allele frequency attached by ClinVar (database versions not stated): ExAC 0.00002; gnomAD exomes 0.00001 and below 0.00001; TOPMed 0.00001; gnomAD 0.00001.
gnomAD v4.1: 6 of 1,613,988 alleles (0.00037%); highest among the groups gnomAD compares: Admixed American, 0.0067%; no homozygotes.

Submissions (7):

PreventionGenetics, part of Exact Sciences
Classification: Likely benign for RAF1-related condition. Last evaluated: 2026-07-24. Review status: criteria provided, single submitter. Criteria: ACMG Guidelines, 2015. Collection method: clinical testing. Allele origin: germline.
Comment: This variant is classified as likely benign based on ACMG/AMP sequence variant interpretation guidelines (Richards et al. 2015 PMID: 25741868, with internal and published modifications).

Mayo Clinic Laboratories, Mayo Clinic
Classification: Likely benign. Last evaluated: 2025-06-02. Review status: criteria provided, single submitter. Criteria: ACMG Guidelines, 2015. Collection method: clinical testing. Allele origin: germline. Observed: 1 variant allele.
Comment: BP4, BP7

Labcorp Genetics (formerly Invitae), Labcorp
Classification: Likely benign for RASopathy. Last evaluated: 2024-01-13. Review status: criteria provided, single submitter. Criteria: Invitae Variant Classification Sherloc (09022015). Collection method: clinical testing. Allele origin: germline.

Women's Health and Genetics/Laboratory Corporation of America, LabCorp
Classification: Likely benign. Last evaluated: 2022-05-23. Review status: criteria provided, single submitter. Criteria: LabCorp Variant Classification Summary - May 2015. Collection method: clinical testing. Allele origin: germline.

Blueprint Genetics
Classification: Likely benign. Last evaluated: 2021-06-14. Review status: criteria provided, single submitter. Criteria: ACMG Guidelines, 2015. Collection method: clinical testing. Allele origin: germline.

Ambry Genetics
Classification: Likely benign for Cardiovascular phenotype. Last evaluated: 2020-03-11. Review status: criteria provided, single submitter. Criteria: Ambry Variant Classification Scheme 2023. Collection method: clinical testing. Allele origin: germline.

Laboratory for Molecular Medicine, Mass General Brigham Personalized Medicine
Classification: Benign. Last evaluated: 2009-06-26. Review status: no assertion criteria provided. Collection method: clinical testing. Allele origin: germline. Observed: 1 variant allele. Not counted in ClinVar's aggregate classification.